The following is an entry in ClinVar:

ClinVar aggregate classification (germline): Likely pathogenic (1 of 4 stars; one submission).

Conditions:
Cryopyrin associated periodic syndrome (CAPS). Identifiers: Orphanet 208650, MedGen C2316212, MONDO:0016168.

Submission:

Labcorp Genetics (formerly Invitae), Labcorp
Classification: Likely pathogenic for Cryopyrin associated periodic syndrome. Last evaluated: 2023-12-11. Review status: criteria provided, single submitter. Criteria: Invitae Variant Classification Sherloc (09022015). Collection method: clinical testing. Allele origin: germline.
Comment: This sequence change replaces glycine, which is neutral and non-polar, with glutamic acid, which is acidic and polar, at codon 571 of the NLRP3 protein (p.Gly571Glu). This variant is not present in population databases (gnomAD no frequency). This variant has not been reported in the literature in individuals affected with NLRP3-related conditions. ClinVar contains an entry for this variant (Variation ID: 2055218). Advanced modeling of protein sequence and biophysical properties (such as structural, functional, and spatial information, amino acid conservation, physicochemical variation, residue mobility, and thermodynamic stability) performed at Invitae indicates that this missense variant is expected to disrupt NLRP3 protein function with a positive predictive value of 95%. This variant disrupts the p.Gly571 amino acid residue in NLRP3. Other variant(s) that disrupt this residue have been determined to be pathogenic (PMID: 11992256, 21356079, 35668534). This suggests that this residue is clinically significant, and that variants that disrupt this residue are likely to be disease-causing. In summary, the currently available evidence indicates that the variant is pathogenic, but additional data are needed to prove that conclusively. Therefore, this variant has been classified as Likely Pathogenic.

Literature cited by the submitters: PubMed 11992256; PubMed 21356079; PubMed 35668534.

NM_001243133.2(NLRP3):c.1706G>A (p.Gly569Glu)

Gene: NLRP3 (NLR family pyrin domain containing 3; plus strand). Cytogenetic location: 1q44.
Variant type: single nucleotide variant.
Coding change: c.1706G>A on transcript NM_001243133.2 (MANE Select); coding-DNA position 1706, G replaced by A.
Protein change: p.Gly569Glu; replaces glycine 569 with glutamic acid.
Molecular consequence: missense variant.
Genome position (GRCh38, 1-based): chr1:247,425,155, G>A. VCF-style: chr1-247425155-G-A. GRCh37 (hg19) VCF-style: chr1-247588457-G-A.
Other names: c.1706G>A, p.Gly569Glu (NM_001079821.3, NM_001127461.3, NM_001127462.3 and 1 more transcripts); c.1712G>A, p.Gly571Glu (NM_004895.5); short protein forms G569E, G571E.
Identifiers: ClinVar variation 2055218 (VCV002055218.4), dbSNP rs180177491, ClinGen allele CA345557635.